The following is an entry in ClinVar:

NM_152743.4(BRAT1):c.316C>A (p.Pro106Thr)

Gene: BRAT1 (BRCA1 associated ATM activator 1; minus strand). Cytogenetic location: 7p22.3.
Variant type: single nucleotide variant.
Coding change: c.316C>A on transcript NM_152743.4 (MANE Select); coding-DNA position 316, C replaced by A.
Protein change: p.Pro106Thr; replaces proline 106 with threonine.
Molecular consequence: missense variant. On other transcripts: non-coding transcript variant (1), intron variant (1).
Genome position (GRCh38, 1-based): chr7:2,545,023, G>T on the plus strand (C>A on the coding strand, the complement: BRAT1 is on the minus strand). VCF-style: chr7-2545023-G-T. GRCh37 (hg19) VCF-style: chr7-2584657-G-T.
Other names: c.316C>A, p.Pro106Thr (NM_001350626.2); c.-95-1061C>A (NM_001350627.2); short protein forms P106T.
Identifiers: ClinVar variation 935986 (VCV000935986.5), dbSNP rs1230160920, ClinGen allele CA366632976.

ClinVar aggregate classification (germline): Uncertain significance (1 of 4 stars; one submission).

Conditions:
Neonatal-onset encephalopathy with rigidity and seizures. Also called: Lethal neonatal spasticity-epileptic encephalopathy syndrome. Identifiers: Orphanet 435845, MedGen C3281029, MONDO:0013784, OMIM 614498.

Allele frequency attached by ClinVar (database versions not stated): TOPMed 0.00001; gnomAD 0.00002.
gnomAD v4.1: 10 of 1,527,878 alleles (0.00065%); highest among the groups gnomAD compares: South Asian, 0.0013%; no homozygotes.

Submission:

Labcorp Genetics (formerly Invitae), Labcorp
Classification: Uncertain significance for Neonatal-onset encephalopathy with rigidity and seizures. Last evaluated: 2021-10-20. Review status: criteria provided, single submitter. Criteria: Invitae Variant Classification Sherloc (09022015). Collection method: clinical testing. Allele origin: germline.
Comment: This sequence change replaces proline with threonine at codon 106 of the BRAT1 protein (p.Pro106Thr). The proline residue is weakly conserved and there is a small physicochemical difference between proline and threonine. This variant is not present in population databases (ExAC no frequency). This variant has not been reported in the literature in individuals affected with BRAT1-related conditions. Algorithms developed to predict the effect of missense changes on protein structure and function output the following: SIFT: "Tolerated"; PolyPhen-2: "Benign"; Align-GVGD: "Class C0". The threonine amino acid residue is found in multiple mammalian species, which suggests that this missense change does not adversely affect protein function. In summary, the available evidence is currently insufficient to determine the role of this variant in disease. Therefore, it has been classified as a Variant of Uncertain Significance.